The following is an entry in ClinVar:

NM_016729.3(FOLR1):c.197G>A (p.Cys66Tyr)

Genes: FOLR1 (folate receptor alpha; plus strand), FOLR1-AS1 (FOLR1 antisense RNA 1; minus strand). Cytogenetic location: 11q13.4.
Variant type: single nucleotide variant.
Coding change: c.197G>A on transcript NM_016729.3 (MANE Select); coding-DNA position 197, G replaced by A.
Protein change: p.Cys66Tyr; replaces cysteine 66 with tyrosine.
Molecular consequence: missense variant.
Genome position (GRCh38, 1-based): chr11:72,195,299, G>A. VCF-style: chr11-72195299-G-A. GRCh37 (hg19) VCF-style: chr11-71906343-G-A.
Other names: c.197G>A, p.Cys66Tyr (NM_000802.3, NM_016724.3, NM_016725.3); short protein forms C66Y.
Identifiers: ClinVar variation 929424 (VCV000929424.3), dbSNP rs779015471, ClinGen allele CA6169138.
Genomic context (GRCh38, chr11:72,195,299, plus strand): 5'-GTGGACTGAGTCCTCTGTCTTCCCCCATCCAGTGTCGACCCTGGAGGAAGAATGCCTGCT[G>A]TTCTACCAACACCAGCCAGGAAGCCCATAAGGATGTTTCCTACCTATATAGATTCAACTG-3'
Protein context (NP_057941.1, residues 56-76): QCRPWRKNAC[Cys66Tyr]STNTSQEAHK

ClinVar aggregate classification (germline): Pathogenic (1 of 4 stars; one submission).

Conditions:
Cerebral folate transport deficiency. Also called: FOLATE RECEPTOR DEFICIENCY; Neurodegenerative syndrome due to cerebral folate transport deficiency; NEURODEGENERATION DUE TO CEREBRAL FOLATE TRANSPORT DEFICIENCY; FOLR1-Related Cerebral Folate Transport Deficiency; Cerebral folate deficiency syndrome. Identifiers: Orphanet 217382, MedGen C2751584, MONDO:0013110, OMIM 613068. Disease mechanism: loss of function.

Allele frequency attached by ClinVar (database versions not stated): gnomAD exomes below 0.00001 and 0.00001; ExAC 0.00001.
gnomAD v4.1: 8 of 1,614,160 alleles (0.0005%); highest among the groups gnomAD compares: Non-Finnish European, 0.00068%; no homozygotes.

Submission:

Biochemistry and Molecular Biology, CHU de Limoges
Classification: Pathogenic for Cerebral folate transport deficiency. Last evaluated: 2020-05-18. Review status: criteria provided, single submitter. Criteria: ACMG Guidelines, 2015. Collection method: case-control, clinical testing. Allele origin: inherited, unknown. Inheritance: Autosomal recessive inheritance. Affected: yes and no. Observed: 2 heterozygotes, 1 homozygote. Clinical features observed: Decreased CSF 5-methyltetrahydrofolate concentration (HP:0012446).
Comment: Both parents appeared heterozygous for this mutation. This variant is present at a very low level in large population studies (gnomAD v2.1.1 frequency = 0.000003977). No other pathogenic genetic variant were detected using a NGS-specific panel. The p.Cys66Tyr variant meets our criteria to be classified as pathogenic based upon segregation studies and absence from controls.